The following is an entry in ClinVar:

NM_000875.5(IGF1R):c.3952G>T (p.Asp1318Tyr)

Gene: IGF1R (insulin like growth factor 1 receptor; plus strand). Cytogenetic location: 15q26.3.
Variant type: single nucleotide variant.
Coding change: c.3952G>T on transcript NM_000875.5 (MANE Select); coding-DNA position 3952, G replaced by T.
Protein change: p.Asp1318Tyr; replaces aspartic acid 1318 with tyrosine.
Molecular consequence: missense variant.
Genome position (GRCh38, 1-based): chr15:98,957,290, G>T. VCF-style: chr15-98957290-G-T. GRCh37 (hg19) VCF-style: chr15-99500519-G-T.
Other names: c.3949G>T, p.Asp1317Tyr (NM_001291858.2); short protein forms D1317Y, D1318Y.
Identifiers: ClinVar variation 4975761 (VCV004975761.1).

ClinVar aggregate classification (germline): Uncertain significance (1 of 4 stars; one submission).

gnomAD v4.1: 24 of 1,613,660 alleles (0.0015%); highest among the groups gnomAD compares: Non-Finnish European, 0.0019%; no homozygotes.

Submission:

GeneDx
Classification: Uncertain significance. Last evaluated: 2026-01-27. Review status: criteria provided, single submitter. Criteria: GeneDx Variant Classification Process June 2021. Collection method: clinical testing. Allele origin: germline.
Comment: In silico analysis suggests that this missense variant does not alter protein structure/function; Has not been previously published as pathogenic or benign to our knowledge